The following is an entry in ClinVar:

ClinVar aggregate classification (germline): Uncertain significance (1 of 4 stars; one submission).

Conditions:
Ataxia-telangiectasia syndrome (AT). Also called: Ataxia-telangiectasia, complementation group D; AT, COMPLEMENTATION GROUP C; ATAXIA-TELANGIECTASIA, COMPLEMENTATION GROUP A; ATAXIA-TELANGIECTASIA, FRESNO VARIANT; Ataxia-telangiectasia, complementation group E; LOUIS-BAR SYNDROME. Identifiers: Orphanet 100, MedGen C0004135, MONDO:0008840, OMIM 208900.

Submission:

Labcorp Genetics (formerly Invitae), Labcorp
Classification: Uncertain significance for Ataxia-telangiectasia syndrome. Last evaluated: 2022-08-31. Review status: criteria provided, single submitter. Criteria: Invitae Variant Classification Sherloc (09022015). Collection method: clinical testing. Allele origin: germline.
Comment: This sequence change replaces aspartic acid, which is acidic and polar, with valine, which is neutral and non-polar, at codon 1930 of the ATM protein (p.Asp1930Val). This variant is not present in population databases (gnomAD no frequency). This variant has not been reported in the literature in individuals affected with ATM-related conditions. In summary, the available evidence is currently insufficient to determine the role of this variant in disease. Therefore, it has been classified as a Variant of Uncertain Significance. Advanced modeling of protein sequence and biophysical properties (such as structural, functional, and spatial information, amino acid conservation, physicochemical variation, residue mobility, and thermodynamic stability) performed at Invitae indicates that this missense variant is not expected to disrupt ATM protein function.

NM_000051.4(ATM):c.5789A>T (p.Asp1930Val)

Genes: C11orf65 (chromosome 11 open reading frame 65; minus strand), ATM (ATM serine/threonine kinase; plus strand). Cytogenetic location: 11q22.3.
Variant type: single nucleotide variant.
Coding change: c.5789A>T on transcript NM_000051.4 (MANE Select); coding-DNA position 5789, A replaced by T.
Protein change: p.Asp1930Val; replaces aspartic acid 1930 with valine.
Molecular consequence: missense variant. On other transcripts: intron variant (2).
Genome position (GRCh38, 1-based): chr11:108,310,186, A>T. VCF-style: chr11-108310186-A-T. GRCh37 (hg19) VCF-style: chr11-108180913-A-T.
Other names: c.5789A>T, p.Asp1930Val (NM_001351834.2); c.641-1115T>A (NM_001330368.2); c.*39-1115T>A (NM_001351110.2); short protein forms D1930V.
Identifiers: ClinVar variation 1960507 (VCV001960507.5), dbSNP rs2084024488, ClinGen allele CA382548326.
Genomic context (GRCh38, chr11:108,310,186, plus strand): 5'-AAAGTGAATGACATTATATCTCATTTTTCTTTAGACCTTCTTCAGGAACAATTTTTAATG[A>T]TGCTTTCTGGCTGGATTTAAATTATCTAGAAGTTGCCAAGGTAGCTCAGTCTTGTGCTGC-3'
Protein context (NP_000042.3, residues 1920-1940): KRPSSGTIFN[Asp1930Val]AFWLDLNYLE